The following is an entry in ClinVar:

NM_000271.5(NPC1):c.3797G>T (p.Arg1266Leu)

Gene: NPC1 (NPC intracellular cholesterol transporter 1; minus strand). Cytogenetic location: 18q11.2.
Variant type: single nucleotide variant.
Coding change: c.3797G>T on transcript NM_000271.5 (MANE Select); coding-DNA position 3797, G replaced by T.
Protein change: p.Arg1266Leu; replaces arginine 1266 with leucine.
Molecular consequence: missense variant.
Genome position (GRCh38, 1-based): chr18:23,532,242, C>A on the plus strand (G>T on the coding strand, the complement: NPC1 is on the minus strand). VCF-style: chr18-23532242-C-A. GRCh37 (hg19) VCF-style: chr18-21112206-C-A.
Other names: short protein forms R1266L.
Identifiers: ClinVar variation 1922741 (VCV001922741.5), dbSNP rs1805084, ClinGen allele CA401790385.
Genomic context (GRCh38, chr18:23,532,242, plus strand): 5'-CAGGATGCCCTGCGAGAGGGCTAGAAATTTAGAAGCCGTTCGCGCTCTGTTCCTTTGTAT[C>A]GCTCTTCAGTGGCACAACTTTTGGCTTTATTTACTGATGGCCCTATGAGAGAGAGAGACT-3'
Protein context (NP_000262.2, residues 1256-1276): NKAKSCATEE[Arg1266Leu]YKGTERERLL

ClinVar aggregate classification (germline): Uncertain significance (1 of 4 stars; one submission).

Conditions:
Niemann-Pick disease, type C1. Also called: NIEMANN-PICK DISEASE, VARIANT TYPE C1; NEUROVISCERAL STORAGE DISEASE WITH VERTICAL SUPRANUCLEAR OPHTHALMOPLEGIA; NIEMANN-PICK DISEASE WITH CHOLESTEROL ESTERIFICATION BLOCK; NIEMANN-PICK DISEASE WITHOUT SPHINGOMYELINASE DEFICIENCY; NIEMANN-PICK DISEASE, CHRONIC NEURONOPATHIC FORM. Identifiers: Orphanet 646, MedGen C3179455, MONDO:0009757, OMIM 257220.

gnomAD v4.1: 2 of 1,614,054 alleles (0.00012%); highest among the groups gnomAD compares: African/African-American, 0.0027%; no homozygotes.

Submission:

Labcorp Genetics (formerly Invitae), Labcorp
Classification: Uncertain significance for Niemann-Pick disease, type C1. Last evaluated: 2023-07-21. Review status: criteria provided, single submitter. Criteria: Invitae Variant Classification Sherloc (09022015). Collection method: clinical testing. Allele origin: germline.
Comment: Advanced modeling of protein sequence and biophysical properties (such as structural, functional, and spatial information, amino acid conservation, physicochemical variation, residue mobility, and thermodynamic stability) performed at Invitae indicates that this missense variant is not expected to disrupt NPC1 protein function. In summary, the available evidence is currently insufficient to determine the role of this variant in disease. Therefore, it has been classified as a Variant of Uncertain Significance. ClinVar contains an entry for this variant (Variation ID: 1922741). This sequence change replaces arginine, which is basic and polar, with leucine, which is neutral and non-polar, at codon 1266 of the NPC1 protein (p.Arg1266Leu). This variant is not present in population databases (gnomAD no frequency). This variant has not been reported in the literature in individuals affected with NPC1-related conditions.